The following is an entry in ClinVar:

NM_014629.4(ARHGEF10):c.2711C>G (p.Thr904Ser)

Gene: ARHGEF10 (Rho guanine nucleotide exchange factor 10; plus strand). Cytogenetic location: 8p23.3.
Variant type: single nucleotide variant.
Coding change: c.2711C>G on transcript NM_014629.4 (MANE Select); coding-DNA position 2711, C replaced by G.
Protein change: p.Thr904Ser; replaces threonine 904 with serine.
Molecular consequence: missense variant.
Genome position (GRCh38, 1-based): chr8:1,928,440, C>G. VCF-style: chr8-1928440-C-G. GRCh37 (hg19) VCF-style: chr8-1876606-C-G.
Other names: c.2711C>G, p.Thr904Ser (NM_001308153.3); c.2597C>G, p.Thr866Ser (NM_001308152.2); short protein forms T866S, T904S, T928S.
Identifiers: ClinVar variation 3242107 (VCV003242107.1), dbSNP rs2537963960.

ClinVar aggregate classification (germline): Uncertain significance (1 of 4 stars; one submission).

Conditions:
Autosomal dominant slowed nerve conduction velocity. Identifiers: Orphanet 140481, MedGen C1842357, MONDO:0011998, OMIM 608236.

gnomAD v4.1: 7 of 1,613,226 alleles (0.00043%); highest among the groups gnomAD compares: Middle Eastern, 0.099%; 1 homozygote.

Submission:

Neuberg Centre For Genomic Medicine, NCGM
Classification: Uncertain significance for Autosomal dominant slowed nerve conduction velocity. Review status: criteria provided, single submitter. Criteria: ACMG Guidelines, 2015. Collection method: clinical testing. Allele origin: germline. Inheritance: Autosomal dominant inheritance. Affected: yes.
Comment: The observed missense variant c.2711C>G(p.Thr904Ser) in ARHGEF10 gene has not been reported previously as a pathogenic variantnor as a benign variant, to our knowledge. The c.2711C>G variant is absent in gnomAD Exomes. The amino acid Threonine atposition 904 is changed to a Serine changing protein sequence and it might alter its composition and physico-chemicalproperties. The amino acid change p.Thr904Ser in ARHGEF10 is predicted as conserved by GERP++ and PhyloP across 100vertebrates. For these reasons, this variant has been classified as Uncertain Significance.